The following is an entry in ClinVar:

ClinVar aggregate classification (germline): Likely pathogenic (1 of 4 stars; one submission).

Conditions:
Severe combined immunodeficiency, autosomal recessive, T cell-negative, B cell-negative, NK cell-positive. Also called: SCID, T CELL-NEGATIVE, B CELL-NEGATIVE, NK CELL-POSITIVE; SCID, AR, T-cell negative, B-cell negative, NK cell-positive; Severe combined immunodeficiency due to complete RAG1/2 deficiency. Identifiers: Orphanet 331206, MedGen C1832322, MONDO:0011086, OMIM 601457.
Combined immunodeficiency with skin granulomas. Identifiers: Orphanet 157949, MedGen C2673536, MONDO:0009306, OMIM 233650.

Submission:

Labcorp Genetics (formerly Invitae), Labcorp
Classification: Likely pathogenic for Combined immunodeficiency with skin granulomas; Severe combined immunodeficiency, autosomal recessive, T cell-negative, B cell-negative, NK cell-positive. Last evaluated: 2021-06-28. Review status: criteria provided, single submitter. Criteria: Invitae Variant Classification Sherloc (09022015). Collection method: clinical testing. Allele origin: germline.
Comment: This sequence change replaces glycine with arginine at codon 157 of the RAG2 protein (p.Gly157Arg). The glycine residue is highly conserved and there is a moderate physicochemical difference between glycine and arginine. This variant is not present in population databases (ExAC no frequency). This variant has not been reported in the literature in individuals with RAG2-related conditions. Advanced modeling of protein sequence and biophysical properties (such as structural, functional, and spatial information, amino acid conservation, physicochemical variation, residue mobility, and thermodynamic stability) performed at Invitae indicates that this missense variant is expected to disrupt RAG2 protein function. Algorithms developed to predict the effect of sequence changes on RNA splicing suggest that this variant may create or strengthen a splice site, but this prediction has not been confirmed by published transcriptional studies. This variant disrupts the p.Gly157 amino acid residue in RAG2. Other variant(s) that disrupt this residue have been determined to be pathogenic (PMID: 21624848, 29772310, 31838659). This suggests that this residue is clinically significant, and that variants that disrupt this residue are likely to be disease-causing. In summary, the currently available evidence indicates that the variant is pathogenic, but additional data are needed to prove that conclusively. Therefore, this variant has been classified as Likely Pathogenic.

Literature cited by the submitters: PubMed 21624848; PubMed 29772310; PubMed 31838659.

NM_000536.4(RAG2):c.469G>A (p.Gly157Arg)

Gene: RAG2 (recombination activating 2; minus strand). Cytogenetic location: 11p12.
Variant type: single nucleotide variant.
Coding change: c.469G>A on transcript NM_000536.4 (MANE Select); coding-DNA position 469, G replaced by A.
Protein change: p.Gly157Arg; replaces glycine 157 with arginine.
Molecular consequence: missense variant.
Genome position (GRCh38, 1-based): chr11:36,593,700, C>T on the plus strand (G>A on the coding strand, the complement: RAG2 is on the minus strand). VCF-style: chr11-36593700-C-T. GRCh37 (hg19) VCF-style: chr11-36615250-C-T.
Other names: c.469G>A, p.Gly157Arg (NM_001243785.2, NM_001243786.2); short protein forms G157R.
Identifiers: ClinVar variation 1503410 (VCV001503410.8), dbSNP rs756676209, ClinGen allele CA380142925.